The following is an entry in ClinVar:

NM_001330260.2(SCN8A):c.1963C>T (p.Pro655Ser)

Gene: SCN8A (sodium voltage-gated channel alpha subunit 8; plus strand). Cytogenetic location: 12q13.13.
Variant type: single nucleotide variant.
Coding change: c.1963C>T on transcript NM_001330260.2 (MANE Select); coding-DNA position 1963, C replaced by T.
Protein change: p.Pro655Ser; replaces proline 655 with serine.
Molecular consequence: missense variant.
Genome position (GRCh38, 1-based): chr12:51,721,873, C>T. VCF-style: chr12-51721873-C-T. GRCh37 (hg19) VCF-style: chr12-52115657-C-T.
Other names: c.1963C>T, p.Pro655Ser (NM_001177984.3, NM_001369788.1, NM_014191.4); short protein forms P655S.
Identifiers: ClinVar variation 1378124 (VCV001378124.7), dbSNP rs954650071, ClinGen allele CA236267008.

ClinVar aggregate classification (germline): Uncertain significance (1 of 4 stars; one submission).

Conditions:
Early-infantile DEE. Also called: Early infantile epileptic encephalopathy with suppression bursts; Early infantile epileptic encephalopathy; Ohtahara syndrome. Identifiers: Orphanet 1934, MedGen C0393706, MONDO:0800491.

Allele frequency attached by ClinVar (database versions not stated): gnomAD exomes below 0.00001.
gnomAD v4.1: 1 of 1,601,968 alleles (0.000062%); highest among the groups gnomAD compares: Admixed American, 0.0017%; no homozygotes.

Submission:

Labcorp Genetics (formerly Invitae), Labcorp
Classification: Uncertain significance for Early-infantile DEE. Last evaluated: 2021-08-27. Review status: criteria provided, single submitter. Criteria: Invitae Variant Classification Sherloc (09022015). Collection method: clinical testing. Allele origin: germline.
Comment: This sequence change replaces proline with serine at codon 655 of the SCN8A protein (p.Pro655Ser). The proline residue is highly conserved and there is a moderate physicochemical difference between proline and serine. In summary, the available evidence is currently insufficient to determine the role of this variant in disease. Therefore, it has been classified as a Variant of Uncertain Significance. Algorithms developed to predict the effect of missense changes on protein structure and function (SIFT, PolyPhen-2, Align-GVGD) all suggest that this variant is likely to be tolerated. This variant has not been reported in the literature in individuals affected with SCN8A-related conditions. This variant is not present in population databases (ExAC no frequency).